The following is an entry in ClinVar:

NM_001754.5(RUNX1):c.991A>G (p.Ser331Gly)

Gene: RUNX1 (RUNX family transcription factor 1; minus strand). Cytogenetic location: 21q22.12.
Variant type: single nucleotide variant.
Coding change: c.991A>G on transcript NM_001754.5 (MANE Select); coding-DNA position 991, A replaced by G.
Protein change: p.Ser331Gly; replaces serine 331 with glycine.
Molecular consequence: missense variant.
Genome position (GRCh38, 1-based): chr21:34,792,587, T>C on the plus strand (A>G on the coding strand, the complement: RUNX1 is on the minus strand). VCF-style: chr21-34792587-T-C. GRCh37 (hg19) VCF-style: chr21-36164884-T-C.
Other names: NM_001754.5:c.991A>G; c.910A>G, p.Ser304Gly (NM_001001890.3); short protein forms S331G, S304G.
Identifiers: ClinVar variation 2067048 (VCV002067048.7), dbSNP rs937059549, ClinGen allele CA320251648.

ClinVar aggregate classification (germline): Uncertain significance. Review status: reviewed by expert panel (3 of 4 stars). 3 submissions from 3 submitters: Uncertain significance (1). 2 of the submissions do not count toward it. Last evaluated 2024-08-12.

Conditions:
Hereditary thrombocytopenia and hematologic cancer predisposition syndrome. Identifiers: Orphanet 71290, MedGen CN281654, MONDO:0011071.
Inborn genetic diseases. Identifiers: MedGen C0950123, MeSH D030342.
Hereditary thrombocytopenia and hematological cancer predisposition syndrome associated with RUNX1. Also called: Familial Platelet Disorder with Propensity to Acute Myelogenous Leukemia; Familial thrombocytopenia with propensity to acute myelogenous leukemia; PLATELET DISORDER, ASPIRIN-LIKE; RUNX1 Familial Platelet Disorder with Associated Myeloid Malignancies. Identifiers: Orphanet 71290, MedGen C1832388, MeSH C563324, MONDO:0100083, OMIM 601399.

Allele frequency attached by ClinVar (database versions not stated): gnomAD 0.00001; TOPMed 0.00002.
gnomAD v4.1: 3 of 1,599,292 alleles (0.00019%); highest among the groups gnomAD compares: African/African-American, 0.004%; no homozygotes.

Submissions (3):

ClinGen Myeloid Malignancy Variant Curation Expert Panel
Classification: Uncertain significance for Hereditary thrombocytopenia and hematologic cancer predisposition syndrome. Last evaluated: 2024-08-12. Review status: reviewed by expert panel. Criteria: ClinGen MyeloMalig ACMG Specifications v2. Collection method: curation. Allele origin: germline. Inheritance: Autosomal dominant inheritance.
Comment: NM_001754.5(RUNX1):c.991A>G (p.Ser331Gly) is a missense variant which meets the criteria for BP4. This missense variant has a REVEL score ≤ 0.50 (0.105) and a SpliceAI score ≤ 0.20 (0.00) (BP4). In summary, the clinical significance of this variant is uncertain. ACMG/AMP criteria applied, as specified by the Myeloid Malignancy Variant Curation Expert Panel for RUNX1: BP4

Ambry Genetics
Classification: Likely benign for Inborn genetic diseases. Last evaluated: 2025-08-07. Review status: criteria provided, single submitter. Criteria: Ambry Variant Classification Scheme 2023. Collection method: clinical testing. Allele origin: germline. Not counted in ClinVar's aggregate classification.

Labcorp Genetics (formerly Invitae), Labcorp
Classification: Uncertain significance for Hereditary thrombocytopenia and hematological cancer predisposition syndrome associated with RUNX1. Last evaluated: 2023-12-07. Review status: criteria provided, single submitter. Criteria: Invitae Variant Classification Sherloc (09022015). Collection method: clinical testing. Allele origin: germline. Not counted in ClinVar's aggregate classification.
Comment: This sequence change replaces serine, which is neutral and polar, with glycine, which is neutral and non-polar, at codon 331 of the RUNX1 protein (p.Ser331Gly). The frequency data for this variant in the population databases is considered unreliable, as metrics indicate poor data quality at this position in the gnomAD database. This variant has not been reported in the literature in individuals affected with RUNX1-related conditions. ClinVar contains an entry for this variant (Variation ID: 2067048). Advanced modeling of protein sequence and biophysical properties (such as structural, functional, and spatial information, amino acid conservation, physicochemical variation, residue mobility, and thermodynamic stability) performed at Invitae indicates that this missense variant is not expected to disrupt RUNX1 protein function with a negative predictive value of 80%. In summary, the available evidence is currently insufficient to determine the role of this variant in disease. Therefore, it has been classified as a Variant of Uncertain Significance.